The following is an entry in ClinVar:

ClinVar aggregate classification (germline): Uncertain significance (1 of 4 stars; one submission).

Allele frequency attached by ClinVar (database versions not stated): gnomAD exomes below 0.00001.
gnomAD v4.1: 5 of 1,613,638 alleles (0.00031%); highest among the groups gnomAD compares: Non-Finnish European, 0.00042%; no homozygotes.

Submission:

GeneDx
Classification: Uncertain significance. Last evaluated: 2021-06-28. Review status: criteria provided, single submitter. Criteria: GeneDx Variant Classification Process June 2021. Collection method: clinical testing. Allele origin: germline. Affected: yes.
Comment: Not observed at significant frequency in large population cohorts (Lek et al., 2016); In silico analysis supports that this missense variant has a deleterious effect on protein structure/function; Has not been previously published as pathogenic or benign to our knowledge; This variant is associated with the following publications: (PMID: 27535533)

NM_004539.4(NARS1):c.1130T>C (p.Leu377Pro)

Gene: NARS1 (asparaginyl-tRNA synthetase 1; minus strand). Cytogenetic location: 18q21.31.
Variant type: single nucleotide variant.
Coding change: c.1130T>C on transcript NM_004539.4 (MANE Select); coding-DNA position 1130, T replaced by C.
Protein change: p.Leu377Pro; replaces leucine 377 with proline.
Molecular consequence: missense variant.
Genome position (GRCh38, 1-based): chr18:57,606,623, A>G on the plus strand (T>C on the coding strand, the complement: NARS1 is on the minus strand). VCF-style: chr18-57606623-A-G. GRCh37 (hg19) VCF-style: chr18-55273855-A-G.
Other names: short protein forms L377P.
Identifiers: ClinVar variation 1331190 (VCV001331190.2), dbSNP rs2122428338, ClinGen allele CA402545710.